The following is an entry in ClinVar:

NM_001382391.1(CSPP1):c.3428T>C (p.Met1143Thr)

Genes: ARFGEF1 (ARF guanine nucleotide exchange factor 1; minus strand), CSPP1 (centrosome and spindle pole associated protein 1; plus strand). Cytogenetic location: 8q13.2.
Variant type: single nucleotide variant.
Coding change: c.3428T>C on transcript NM_001382391.1 (MANE Select); coding-DNA position 3428, T replaced by C.
Protein change: p.Met1143Thr; replaces methionine 1143 with threonine.
Molecular consequence: missense variant. On other transcripts: intron variant (3).
Genome position (GRCh38, 1-based): chr8:67,193,561, T>C. VCF-style: chr8-67193561-T-C. GRCh37 (hg19) VCF-style: chr8-68105796-T-C.
Other names: c.2378T>C, p.Met793Thr (NM_001291339.2); c.3347T>C, p.Met1116Thr (NM_001363131.2); c.3233T>C, p.Met1078Thr (NM_001363132.2); c.3152T>C, p.Met1051Thr (NM_001363133.2); c.3494T>C, p.Met1165Thr (NM_001364869.1); c.3314T>C, p.Met1105Thr (NM_001364870.1); c.3260T>C, p.Met1087Thr (NM_001438330.1); c.2729T>C, p.Met910Thr (NM_001438332.1); and 4 more; short protein forms M1116T, M1165T, M1138T, M1143T, M793T, M1078T, M1051T, M1105T.
Identifiers: ClinVar variation 1482977 (VCV001482977.5), dbSNP rs2129575962, ClinGen allele CA371203167.

ClinVar aggregate classification (germline): Uncertain significance (1 of 4 stars; one submission).

Conditions:
Joubert syndrome 21 (JBTS21). Identifiers: MedGen C3810212, MONDO:0014288, OMIM 615636.

Allele frequency attached by ClinVar (database versions not stated): gnomAD exomes below 0.00001.
gnomAD v4.1: 1 of 1,613,888 alleles (0.000062%); highest among the groups gnomAD compares: Non-Finnish European, 0.000085%; no homozygotes.

Submission:

Labcorp Genetics (formerly Invitae), Labcorp
Classification: Uncertain significance for Joubert syndrome 21. Last evaluated: 2021-08-20. Review status: criteria provided, single submitter. Criteria: Invitae Variant Classification Sherloc (09022015). Collection method: clinical testing. Allele origin: germline.
Comment: In summary, the available evidence is currently insufficient to determine the role of this variant in disease. Therefore, it has been classified as a Variant of Uncertain Significance. Algorithms developed to predict the effect of missense changes on protein structure and function (SIFT, PolyPhen-2, Align-GVGD) all suggest that this variant is likely to be tolerated. This variant has not been reported in the literature in individuals affected with CSPP1-related conditions. This variant is not present in population databases (ExAC no frequency). This sequence change replaces methionine with threonine at codon 1138 of the CSPP1 protein (p.Met1138Thr). The methionine residue is moderately conserved and there is a moderate physicochemical difference between methionine and threonine.